The following is an entry in ClinVar:

ClinVar aggregate classification (germline): Uncertain significance. Review status: criteria provided, multiple submitters, no conflicts (2 of 4 stars). 5 submissions from 5 submitters: Uncertain significance (5). Last evaluated 2026-08-18.

Conditions:
Cutis laxa, autosomal dominant 3 (ADCL3). Identifiers: Orphanet 90348, MedGen C4225268, MONDO:0014706, OMIM 616603.
de Barsy syndrome. Also called: Cutis laxa-corneal clouding-oligophrenia syndrome. Identifiers: Orphanet 2962, MedGen C0268354, MONDO:0017569.
Autosomal dominant spastic paraplegia type 9. Identifiers: MedGen C1832669, MONDO:0015091.

Allele frequency attached by ClinVar (database versions not stated): gnomAD 0.00011; ESP Exome Variant Server 0.00023; TOPMed 0.00010.
gnomAD v4.1: 179 of 1,613,946 alleles (0.011%); highest among the groups gnomAD compares: Non-Finnish European, 0.014%; no homozygotes.

Submissions (5):

GeneDx
Classification: Uncertain significance. Last evaluated: 2026-08-18. Review status: criteria provided, single submitter. Criteria: GeneDx Variant Classification Process June 2021. Collection method: clinical testing. Allele origin: germline.
Comment: Has not been previously published as pathogenic or benign to our knowledge; In silico analysis suggests that this missense variant does not alter protein structure/function

Labcorp Genetics (formerly Invitae), Labcorp
Classification: Uncertain significance for Autosomal dominant spastic paraplegia type 9; de Barsy syndrome; Cutis laxa, autosomal dominant 3. Last evaluated: 2026-01-26. Review status: criteria provided, single submitter. Criteria: Invitae Variant Classification Sherloc (09022015). Collection method: clinical testing. Allele origin: germline.
Comment: This sequence change replaces lysine, which is basic and polar, with arginine, which is basic and polar, at codon 649 of the ALDH18A1 protein (p.Lys649Arg). This variant is present in population databases (rs145197911, gnomAD 0.01%). This variant has not been reported in the literature in individuals affected with ALDH18A1-related conditions. ClinVar contains an entry for this variant (Variation ID: 377209). Invitae Evidence Modeling of protein sequence and biophysical properties (such as structural, functional, and spatial information, amino acid conservation, physicochemical variation, residue mobility, and thermodynamic stability) indicates that this missense variant is not expected to disrupt ALDH18A1 protein function with a negative predictive value of 95%. In summary, the available evidence is currently insufficient to determine the role of this variant in disease. Therefore, it has been classified as a Variant of Uncertain Significance.

CeGaT Center for Human Genetics Tuebingen
Classification: Uncertain significance. Last evaluated: 2024-06-01. Review status: criteria provided, single submitter. Criteria: CeGaT Center For Human Genetics Tuebingen Variant Classification Criteria Version 2. Collection method: clinical testing. Allele origin: germline. Affected: yes. Observed: 1 variant allele.

Blueprint Genetics
Classification: Uncertain significance. Last evaluated: 2024-03-01. Review status: criteria provided, single submitter. Criteria: ACMG Guidelines, 2015. Collection method: clinical testing. Allele origin: germline.

Center for Pediatric Genomic Medicine, Children's Mercy Hospital and Clinics
Classification: Uncertain significance. Last evaluated: 2016-08-30. Review status: criteria provided, single submitter. Criteria: ACMG Guidelines, 2015. Collection method: clinical testing. Allele origin: germline.
ClinVar note: Converted during submission from Uncertain Significance to Uncertain significance.

NM_002860.4(ALDH18A1):c.1946A>G (p.Lys649Arg)

Gene: ALDH18A1 (aldehyde dehydrogenase 18 family member A1; minus strand). Cytogenetic location: 10q24.1.
Variant type: single nucleotide variant.
Coding change: c.1946A>G on transcript NM_002860.4 (MANE Select); coding-DNA position 1946, A replaced by G.
Protein change: p.Lys649Arg; replaces lysine 649 with arginine.
Molecular consequence: missense variant.
Genome position (GRCh38, 1-based): chr10:95,611,420, T>C on the plus strand (A>G on the coding strand, the complement: ALDH18A1 is on the minus strand). VCF-style: chr10-95611420-T-C. GRCh37 (hg19) VCF-style: chr10-97371177-T-C.
Other names: c.1940A>G, p.Lys647Arg (NM_001017423.2, NM_001323415.2); c.1613A>G, p.Lys538Arg (NM_001323412.2, NM_001323416.2); c.1946A>G, p.Lys649Arg (NM_001323413.2, NM_001323414.2); c.1841A>G, p.Lys614Arg (NM_001323417.2); c.1607A>G, p.Lys536Arg (NM_001323418.2); c.1310A>G, p.Lys437Arg (NM_001323419.2); short protein forms K649R, K614R, K437R, K538R, K647R, K536R.
Identifiers: ClinVar variation 377209 (VCV000377209.36), dbSNP rs145197911, ClinGen allele CA5620180.